The following is an entry in ClinVar:

NM_002691.4(POLD1):c.1098C>A (p.Ala366=)

Gene: POLD1 (DNA polymerase delta 1, catalytic subunit; plus strand). Cytogenetic location: 19q13.33.
Variant type: single nucleotide variant.
Coding change: c.1098C>A on transcript NM_002691.4 (MANE Select); coding-DNA position 1098, C replaced by A.
Protein change: p.Ala366=; no amino-acid change (alanine 366 retained).
Molecular consequence: synonymous variant. On other transcripts: non-coding transcript variant (1).
Genome position (GRCh38, 1-based): chr19:50,403,180, C>A. VCF-style: chr19-50403180-C-A. GRCh37 (hg19) VCF-style: chr19-50906437-C-A.
Other names: c.1098C>A (NM_002691.2); c.1098C>A, p.Ala366= (NM_001256849.1, NM_001308632.1).
Identifiers: ClinVar variation 3904265 (VCV003904265.2).

ClinVar aggregate classification (germline): Benign/Likely benign. Review status: criteria provided, multiple submitters, no conflicts (2 of 4 stars). 2 submissions from 2 submitters: Benign (1); Likely benign (1). Last evaluated 2026-03-29.

Conditions:
Hereditary cancer-predisposing syndrome. Also called: Neoplastic Syndromes, Hereditary; Tumor predisposition; Hereditary Cancer Syndrome; Hereditary neoplastic syndrome. Identifiers: Orphanet 140162, MedGen C0027672, MeSH D009386, MONDO:0015356.
POLD1-related polyposis and colorectal cancer syndrome (CRCS10). Also called: Colorectal cancer 10; COLORECTAL CANCER, SUSCEPTIBILITY TO, ON CHROMOSOME 19q; Colorectal cancer, susceptibility to, 10. Identifiers: Orphanet 220460, MedGen C2675481, MONDO:0012953, OMIM 612591.

Submissions (2):

Ambry Genetics
Classification: Likely benign for Hereditary cancer-predisposing syndrome. Last evaluated: 2026-03-29. Review status: criteria provided, single submitter. Criteria: Ambry Variant Classification Scheme 2023. Collection method: clinical testing. Allele origin: germline.

Myriad Genetics, Inc.
Classification: Benign for POLD1-related polyposis and colorectal cancer syndrome. Last evaluated: 2025-02-05. Review status: criteria provided, single submitter. Criteria: Myriad Autosomal Dominant, Autosomal Recessive and X-Linked Classification Criteria (2023). Collection method: clinical testing. Allele origin: unknown.
Comment: This variant is considered benign. This variant is a silent/synonymous amino acid change and it is not expected to impact splicing.